The following is an entry in ClinVar:

NM_006922.4(SCN3A):c.1634G>C (p.Arg545Thr)

Gene: SCN3A (sodium voltage-gated channel alpha subunit 3; minus strand). Cytogenetic location: 2q24.3.
Variant type: single nucleotide variant.
Coding change: c.1634G>C on transcript NM_006922.4 (MANE Select); coding-DNA position 1634, G replaced by C.
Protein change: p.Arg545Thr; replaces arginine 545 with threonine.
Molecular consequence: missense variant.
Genome position (GRCh38, 1-based): chr2:165,146,776, C>G on the plus strand (G>C on the coding strand, the complement: SCN3A is on the minus strand). VCF-style: chr2-165146776-C-G. GRCh37 (hg19) VCF-style: chr2-166003286-C-G.
Other names: c.1634G>C, p.Arg545Thr (NM_001081676.2, NM_001081677.2); short protein forms R545T.
Identifiers: ClinVar variation 5008265 (VCV005008265.1).

ClinVar aggregate classification (germline): Uncertain significance (1 of 4 stars; one submission).

Submission:

GeneDx
Classification: Uncertain significance. Last evaluated: 2026-02-28. Review status: criteria provided, single submitter. Criteria: GeneDx Variant Classification Process June 2021. Collection method: clinical testing. Allele origin: germline.
Comment: Not observed at significant frequency in large population cohorts (gnomAD); In silico analysis supports that this missense variant has a deleterious effect on protein structure/function; Has not been previously published as pathogenic or benign to our knowledge